The following is an entry in ClinVar:

NM_020461.4(TUBGCP6):c.3541_3621dup (p.Pro1207_Thr1208insAlaArgProArgTrpAsnThrHisGlyHisValSerAspAlaSerIleSerLeuGlyGluSerValSerAspMetAlaPro)

Gene: TUBGCP6 (tubulin gamma complex component 6; minus strand). Cytogenetic location: 22q13.33.
Variant type: Duplication.
Coding change: c.3541_3621dup on transcript NM_020461.4 (MANE Select); coding-DNA positions 3541 to 3621, 81 bases duplicated.
Protein change: p.Pro1207_Thr1208insAlaArgProArgTrpAsnThrHisGlyHisValSerAspAlaSerIleSerLeuGlyGluSerValSerAspMetAlaPro.
Molecular consequence: inframe insertion.
Genome position (GRCh38, 1-based): chr22:50,220,738-50,220,818, 81 bases duplicated. GRCh37 (hg19): chr22:50,659,212-50,659,292.
Identifiers: ClinVar variation 2413813 (VCV002413813.6), dbSNP rs2064505303, ClinGen allele CA2580100095.

ClinVar aggregate classification (germline): Uncertain significance (1 of 4 stars; one submission).

Submission:

Labcorp Genetics (formerly Invitae), Labcorp
Classification: Uncertain significance. Last evaluated: 2026-01-05. Review status: criteria provided, single submitter. Criteria: Invitae Variant Classification Sherloc (09022015). Collection method: clinical testing. Allele origin: germline.
Comment: This variant, c.3541_3621dup, results in the insertion of 27 amino acid(s) of the TUBGCP6 protein (p.Ala1181_Pro1207dup), but otherwise preserves the integrity of the reading frame. This variant is not present in population databases (gnomAD no frequency). This variant has not been reported in the literature in individuals affected with TUBGCP6-related conditions. ClinVar contains an entry for this variant (Variation ID: 2413813). Experimental studies and prediction algorithms are not available or were not evaluated, and the functional significance of this variant is currently unknown. In summary, the available evidence is currently insufficient to determine the role of this variant in disease. Therefore, it has been classified as a Variant of Uncertain Significance.